The following is an entry in ClinVar:

NM_000278.5(PAX2):c.419G>A (p.Arg140Gln)

Gene: PAX2 (paired box 2; plus strand). Cytogenetic location: 10q24.31.
Variant type: single nucleotide variant.
Coding change: c.419G>A on transcript NM_000278.5 (MANE Select); coding-DNA position 419, G replaced by A.
Protein change: p.Arg140Gln; replaces arginine 140 with glutamine.
Molecular consequence: missense variant.
Genome position (GRCh38, 1-based): chr10:100,779,506, G>A. VCF-style: chr10-100779506-G-A. GRCh37 (hg19) VCF-style: chr10-102539263-G-A.
Other names: c.512G>A, p.Arg171Gln (NM_001304569.2); c.419G>A, p.Arg140Gln (NM_003987.5, NM_003988.5, NM_003989.5 and 1 more transcripts); short protein forms R140Q, R171Q.
Identifiers: ClinVar variation 1304559 (VCV001304559.4), dbSNP rs865906227, ClinGen allele CA213066625.

ClinVar aggregate classification (germline): Likely pathogenic (1 of 4 stars; one submission).

Allele frequency attached by ClinVar (database versions not stated): gnomAD exomes below 0.00001.

Submission:

GeneDx
Classification: Likely pathogenic. Last evaluated: 2025-07-06. Review status: criteria provided, single submitter. Criteria: GeneDx Variant Classification Process June 2021. Collection method: clinical testing. Allele origin: germline. Affected: yes.
Comment: May have been reported with alternate nomenclature in an individual with hypoplasia and non-cystic dysplasia; however, there is not enough evidence to confirm if this is the same variant as R140Q (PMID: 16971658, 22213154); Not observed at significant frequency in large population cohorts (gnomAD); In silico analysis supports that this missense variant has a deleterious effect on protein structure/function; This variant is associated with the following publications: (PMID: 16971658, 32604935, 22213154)